The following is an entry in ClinVar:

ClinVar aggregate classification (germline): Uncertain significance (1 of 4 stars; one submission).

Conditions:
Long QT syndrome (LQTS). Identifiers: MedGen C0023976, MeSH D008133, MONDO:0002442. Disease mechanism: loss of function. Inheritance: Various modes of inheritance.

Submission:

Labcorp Genetics (formerly Invitae), Labcorp
Classification: Uncertain significance for Long QT syndrome. Last evaluated: 2021-07-16. Review status: criteria provided, single submitter. Criteria: Invitae Variant Classification Sherloc (09022015). Collection method: clinical testing. Allele origin: germline.
Comment: This sequence change replaces glutamic acid with glycine at codon 11 of the AKAP9 protein (p.Glu11Gly). The glutamic acid residue is weakly conserved and there is a moderate physicochemical difference between glutamic acid and glycine. This variant is not present in population databases (ExAC no frequency). This variant has not been reported in the literature in individuals affected with AKAP9-related conditions. Algorithms developed to predict the effect of missense changes on protein structure and function are either unavailable or do not agree on the potential impact of this missense change (SIFT: "Tolerated"; PolyPhen-2: "Possibly Damaging"; Align-GVGD: "Class C0"). In summary, the available evidence is currently insufficient to determine the role of this variant in disease. Therefore, it has been classified as a Variant of Uncertain Significance.

NM_005751.5(AKAP9):c.32A>G (p.Glu11Gly)

Genes: AKAP9 (A-kinase anchoring protein 9; plus strand), LOC129998788 (ATAC-STARR-seq lymphoblastoid active region 26256; plus strand). Cytogenetic location: 7q21.2.
Variant type: single nucleotide variant.
Coding change: c.32A>G on transcript NM_005751.5 (MANE Select); coding-DNA position 32, A replaced by G.
Protein change: p.Glu11Gly; replaces glutamic acid 11 with glycine.
Molecular consequence: missense variant.
Genome position (GRCh38, 1-based): chr7:91,941,131, A>G. VCF-style: chr7-91941131-A-G. GRCh37 (hg19) VCF-style: chr7-91570445-A-G.
Other names: c.32A>G, p.Glu11Gly (NM_147185.3); short protein forms E11G.
Identifiers: ClinVar variation 1367955 (VCV001367955.8), dbSNP rs2130422799, ClinGen allele CA368119120.